The following is an entry in ClinVar:

ClinVar aggregate classification (germline): Pathogenic. Review status: reviewed by expert panel (3 of 4 stars). 5 submissions from 5 submitters: Pathogenic (1). 4 of the submissions do not count toward it. Last evaluated 2017-12-15.

Conditions:
Hereditary breast ovarian cancer syndrome. Also called: Hereditary breast and ovarian cancer syndrome; Hereditary breast and ovarian cancer; Hereditary breast and ovarian cancer syndrome (HBOC); Breast and ovarian cancer; Hereditary breast and/or ovarian cancer syndrome; BRCA1- and BRCA2-Associated Hereditary Breast and Ovarian Cancer. Identifiers: Orphanet 145, MedGen C0677776, MeSH D061325, MONDO:0003582. Disease mechanism: loss of function.
Hereditary cancer-predisposing syndrome. Also called: Neoplastic Syndromes, Hereditary; Tumor predisposition; Hereditary neoplastic syndrome; Hereditary Cancer Syndrome. Identifiers: Orphanet 140162, MedGen C0027672, MeSH D009386, MONDO:0015356.
Breast-ovarian cancer, familial, susceptibility to, 2 (BROVCA2). Also called: BRCA2 Hereditary Breast and Ovarian Cancer. Identifiers: Orphanet 145, MedGen C2675520, MONDO:0012933, OMIM 612555. Disease mechanism: loss of function.

Submissions (5):

Evidence-based Network for the Interpretation of Germline Mutant Alleles (ENIGMA)
Classification: Pathogenic for Breast-ovarian cancer, familial, susceptibility to, 2. Last evaluated: 2017-12-15. Review status: reviewed by expert panel. Criteria: ENIGMA BRCA1/2 Classification Criteria (2017-06-29). Collection method: curation. Allele origin: germline. Study: ENIGMA.
Comment: Variant allele predicted to encode a truncated non-functional protein.

Ambry Genetics
Classification: Pathogenic for Hereditary cancer-predisposing syndrome. Last evaluated: 2025-09-16. Review status: criteria provided, single submitter. Criteria: Ambry Variant Classification Scheme 2023. Collection method: clinical testing. Allele origin: germline. Not counted in ClinVar's aggregate classification.
Comment: The c.6445delA pathogenic mutation, located in coding exon 10 of the BRCA2 gene, results from a deletion of one nucleotide at nucleotide position 6445, causing a translational frameshift with a predicted alternate stop codon (p.I2149Lfs*19). This alteration is expected to result in loss of function by premature protein truncation or nonsense-mediated mRNA decay. As such, this alteration is interpreted as a disease-causing mutation.

Quest Diagnostics Nichols Institute San Juan Capistrano
Classification: Pathogenic. Last evaluated: 2024-12-27. Review status: criteria provided, single submitter. Criteria: Quest Diagnostics criteria. Collection method: clinical testing. Allele origin: unknown. Not counted in ClinVar's aggregate classification.
Comment: The BRCA2 c.6445del (p.Ile2149Leufs*19) variant alters the translational reading frame of the BRCA2 mRNA and causes the premature termination of BRCA2 protein synthesis. This variant has been reported in the published literature in a family with BRCA2-related cancers (PMID: 15131399 (2004)). This variant has not been reported in large, multi-ethnic general populations (Genome Aggregation Database). Based on the available information, this variant is classified as pathogenic.

Veritas Genetics
Classification: Pathogenic for Hereditary breast ovarian cancer syndrome. Last evaluated: 2016-06-28. Review status: no assertion criteria provided. Collection method: clinical testing. Allele origin: germline. Affected: yes. Observed: 1 variant allele. Not counted in ClinVar's aggregate classification.

Research Molecular Genetics Laboratory, Women's College Hospital, University of Toronto
Classification: Pathogenic for Hereditary breast ovarian cancer syndrome. Last evaluated: 2014-01-31. Review status: no assertion criteria provided. Collection method: research. Allele origin: germline. Affected: yes. Study: The Canadian Open Genetics Repository (COGR). Not counted in ClinVar's aggregate classification.

Literature cited by the submitters: PubMed 15131399 (cited by Quest Diagnostics Nichols Institute San Juan Capistrano and Veritas Genetics).

NM_000059.4(BRCA2):c.6445del (p.Ile2149fs)

Gene: BRCA2 (BRCA2 DNA repair associated; plus strand). Cytogenetic location: 13q13.1.
Variant type: Deletion.
Coding change: c.6445del on transcript NM_000059.4 (MANE Select); coding-DNA position 6445, one base deleted (A; older notation c.6445delA).
Protein change: p.Ile2149fs; shifts the reading frame from isoleucine 2149.
Molecular consequence: frameshift variant.
Genome position (GRCh38, 1-based): chr13:32,340,800, A deleted. VCF-style (leftmost placement, unchanged base first): chr13-32340799-TA-T. GRCh37 (hg19) VCF-style: chr13-32914936-TA-T.
Other names: c.6445delA (NM_000059.3); c.6445del (NM_000059.3); short protein forms I2149fs.
Identifiers: ClinVar variation 52101 (VCV000052101.5), dbSNP rs397507856, ClinGen allele CA024054.